The following is an entry in ClinVar:

NM_024769.5(CLMP):c.899G>A (p.Gly300Asp)

Gene: CLMP (CXADR like cell adhesion molecule; minus strand). Cytogenetic location: 11q24.1.
Variant type: single nucleotide variant.
Coding change: c.899G>A on transcript NM_024769.5 (MANE Select); coding-DNA position 899, G replaced by A.
Protein change: p.Gly300Asp; replaces glycine 300 with aspartic acid.
Molecular consequence: missense variant.
Genome position (GRCh38, 1-based): chr11:123,073,697, C>T on the plus strand (G>A on the coding strand, the complement: CLMP is on the minus strand). VCF-style: chr11-123073697-C-T. GRCh37 (hg19) VCF-style: chr11-122944405-C-T.
Other names: short protein forms G300D.
Identifiers: ClinVar variation 4983672 (VCV004983672.1).

ClinVar aggregate classification (germline): Uncertain significance (1 of 4 stars; one submission).

Conditions:
CLMP-related disorder. Also called: CLMP-related condition.

gnomAD v4.1: 41 of 1,614,162 alleles (0.0025%); highest among the groups gnomAD compares: African/African-American, 0.049%; no homozygotes.

Submission:

PreventionGenetics, part of Exact Sciences
Classification: Uncertain significance for CLMP-related condition. Last evaluated: 2026-09-25. Review status: criteria provided, single submitter. Criteria: ACMG Guidelines, 2015. Collection method: clinical testing. Allele origin: germline.
Comment: The CLMP c.899G>A variant is predicted to result in the amino acid substitution p.Gly300Asp. To our knowledge, this variant has not been reported in the literature. This variant is reported in 0.032% of alleles in individuals of African descent in gnomAD. At this time, the clinical significance of this variant is uncertain due to the absence of conclusive functional and genetic evidence.